The following is an entry in ClinVar:

ClinVar aggregate classification (germline): Uncertain significance (1 of 4 stars; one submission).

Conditions:
Hereditary cancer-predisposing syndrome. Also called: Tumor predisposition; Hereditary neoplastic syndrome; Neoplastic Syndromes, Hereditary; Hereditary Cancer Syndrome. Identifiers: Orphanet 140162, MedGen C0027672, MeSH D009386, MONDO:0015356.

Submission:

Ambry Genetics
Classification: Uncertain significance for Hereditary cancer-predisposing syndrome. Last evaluated: 2025-05-12. Review status: criteria provided, single submitter. Criteria: Ambry Variant Classification Scheme 2023. Collection method: clinical testing. Allele origin: germline.
Comment: The p.P603H variant (also known as c.1808C>A), located in coding exon 10 of the DICER1 gene, results from a C to A substitution at nucleotide position 1808. The proline at codon 603 is replaced by histidine, an amino acid with similar properties. This amino acid position is well conserved in available vertebrate species. In addition, this alteration is predicted to be tolerated by in silico analysis. Based on the available evidence, the clinical significance of this variant remains unclear.

NM_177438.3(DICER1):c.1808C>A (p.Pro603His)

Gene: DICER1 (dicer 1, ribonuclease III; minus strand). Cytogenetic location: 14q32.13.
Variant type: single nucleotide variant.
Coding change: c.1808C>A on transcript NM_177438.3 (MANE Select); coding-DNA position 1808, C replaced by A.
Protein change: p.Pro603His; replaces proline 603 with histidine.
Molecular consequence: missense variant. On other transcripts: non-coding transcript variant (6).
Genome position (GRCh38, 1-based): chr14:95,115,766, G>T on the plus strand (C>A on the coding strand, the complement: DICER1 is on the minus strand). VCF-style: chr14-95115766-G-T. GRCh37 (hg19) VCF-style: chr14-95582103-G-T.
Other names: c.1808C>A, p.Pro603His (NM_001195573.1, NM_001271282.3, NM_001291628.2 and 12 more transcripts); c.1526C>A, p.Pro509His (NM_001395686.1); c.1403C>A, p.Pro468His (NM_001395687.1, NM_001395688.1, NM_001395689.1 and 3 more transcripts); c.1241C>A, p.Pro414His (NM_001395691.1); c.125C>A, p.Pro42His (NM_001395697.1); short protein forms P468H, P509H, P603H, P42H, P414H.
Identifiers: ClinVar variation 4011640 (VCV004011640.1).